The following is an entry in ClinVar:

ClinVar aggregate classification (germline): Pathogenic (1 of 4 stars; one submission).

Conditions:
Adams-Oliver syndrome 4 (AOS4). Identifiers: Orphanet 974, MedGen C3809092, MONDO:0014124, OMIM 615297.

Allele frequency attached by ClinVar (database versions not stated): TOPMed 0.00001.
gnomAD v4.1: 1 of 1,613,356 alleles (0.000062%); highest among the groups gnomAD compares: African/African-American, 0.0013%; no homozygotes.

Submission:

Labcorp Genetics (formerly Invitae), Labcorp
Classification: Pathogenic for Adams-Oliver syndrome 4. Last evaluated: 2023-08-04. Review status: criteria provided, single submitter. Criteria: Invitae Variant Classification Sherloc (09022015). Collection method: clinical testing. Allele origin: germline.
Comment: For these reasons, this variant has been classified as Pathogenic. Algorithms developed to predict the effect of sequence changes on RNA splicing suggest that this variant may disrupt the consensus splice site. ClinVar contains an entry for this variant (Variation ID: 1989739). This variant has not been reported in the literature in individuals affected with EOGT-related conditions. This variant is not present in population databases (gnomAD no frequency). This sequence change creates a premature translational stop signal (p.Gln328*) in the EOGT gene. It is expected to result in an absent or disrupted protein product. Loss-of-function variants in EOGT are known to be pathogenic (PMID: 23522784, 23860037).

Literature cited by the submitters: PubMed 23522784; PubMed 23860037.

NM_001278689.2(EOGT):c.1234C>T (p.Gln412Ter)

Gene: EOGT (EGF domain specific O-linked N-acetylglucosamine transferase; minus strand). Cytogenetic location: 3p14.1.
Variant type: single nucleotide variant.
Coding change: c.1234C>T on transcript NM_001278689.2 (MANE Select); coding-DNA position 1234, C replaced by T.
Protein change: p.Gln412Ter; replaces glutamine 412 with a stop codon.
Molecular consequence: nonsense. On other transcripts: non-coding transcript variant (1).
Genome position (GRCh38, 1-based): chr3:68,979,768, G>A on the plus strand (C>T on the coding strand, the complement: EOGT is on the minus strand). VCF-style: chr3-68979768-G-A. GRCh37 (hg19) VCF-style: chr3-69028919-G-A.
Other names: c.982C>T, p.Gln328Ter (NM_173654.3); short protein forms Q328*, Q412*.
Identifiers: ClinVar variation 1989739 (VCV001989739.4), dbSNP rs1379880963, ClinGen allele CA353465790.